The following is an entry in ClinVar:

ClinVar aggregate classification (germline): Uncertain significance (1 of 4 stars; one submission).

Conditions:
Hereditary cancer-predisposing syndrome. Also called: Neoplastic Syndromes, Hereditary; Tumor predisposition; Hereditary Cancer Syndrome; Hereditary neoplastic syndrome. Identifiers: Orphanet 140162, MedGen C0027672, MeSH D009386, MONDO:0015356.

Submission:

Ambry Genetics
Classification: Uncertain significance for Hereditary cancer-predisposing syndrome. Last evaluated: 2019-05-01. Review status: criteria provided, single submitter. Criteria: Ambry Variant Classification Scheme 2023. Collection method: clinical testing. Allele origin: germline.
Comment: The p.E736K variant (also known as c.2206G>A), located in coding exon 15 of the NBN gene, results from a G to A substitution at nucleotide position 2206. The glutamic acid at codon 736 is replaced by lysine, an amino acid with similar properties. This amino acid position is highly conserved in available vertebrate species. In addition, the in silico prediction for this alteration is inconclusive. Since supporting evidence is limited at this time, the clinical significance of this alteration remains unclear.

NM_002485.5(NBN):c.2206G>A (p.Glu736Lys)

Gene: NBN (nibrin; minus strand). Cytogenetic location: 8q21.3.
Variant type: single nucleotide variant.
Coding change: c.2206G>A on transcript NM_002485.5 (MANE Select); coding-DNA position 2206, G replaced by A.
Protein change: p.Glu736Lys; replaces glutamic acid 736 with lysine.
Molecular consequence: missense variant.
Genome position (GRCh38, 1-based): chr8:89,937,054, C>T on the plus strand (G>A on the coding strand, the complement: NBN is on the minus strand). VCF-style: chr8-89937054-C-T. GRCh37 (hg19) VCF-style: chr8-90949282-C-T.
Other names: c.1960G>A, p.Glu654Lys (NM_001024688.3); short protein forms E736K, E654K.
Identifiers: ClinVar variation 1787695 (VCV001787695.2), dbSNP rs756831345, ClinGen allele CA371674796.